The following is an entry in ClinVar:

NM_004055.5(CAPN5):c.721del (p.Glu241fs)

Gene: CAPN5 (calpain 5; plus strand). Cytogenetic location: 11q13.5.
Variant type: Deletion.
Coding change: c.721del on transcript NM_004055.5 (MANE Select); coding-DNA position 721, one base deleted (G; older notation c.721delG).
Protein change: p.Glu241fs; shifts the reading frame from glutamic acid 241.
Molecular consequence: frameshift variant.
Genome position (GRCh38, 1-based): chr11:77,115,416, G deleted; the last of 2 consecutive G bases (chr11:77,115,415-77,115,416); deleting either gives the same sequence. VCF-style (leftmost placement, unchanged base first): chr11-77115414-TG-T. GRCh37 (hg19) VCF-style: chr11-76826460-TG-T.
Other names: short protein forms E241fs.
Identifiers: ClinVar variation 841392 (VCV000841392.7), dbSNP rs782425784, ClinGen allele CA6196537.

ClinVar aggregate classification (germline): Uncertain significance (1 of 4 stars; one submission).

Submission:

Labcorp Genetics (formerly Invitae), Labcorp
Classification: Uncertain significance. Last evaluated: 2026-01-12. Review status: criteria provided, single submitter. Criteria: Invitae Variant Classification Sherloc (09022015). Collection method: clinical testing. Allele origin: germline.
Comment: This sequence change creates a premature translational stop signal (p.Glu241Argfs*9) in the CAPN5 gene. It is expected to result in an absent or disrupted protein product. However, the current clinical and genetic evidence is not sufficient to establish whether loss-of-function variants in CAPN5 cause disease. This variant is present in population databases (rs782425784, gnomAD 0.004%). This variant has not been reported in the literature in individuals affected with CAPN5-related conditions. ClinVar contains an entry for this variant (Variation ID: 841392). In summary, the available evidence is currently insufficient to determine the role of this variant in disease. Therefore, it has been classified as a Variant of Uncertain Significance.